The following is an entry in ClinVar:

ClinVar aggregate classification (germline): Benign (1 of 4 stars; one submission).

Allele frequency attached by ClinVar (database versions not stated): gnomAD 0.05118; TOPMed 0.05255; 1000 Genomes Project 0.05272; 1000 Genomes Project 30x 0.05356.
gnomAD v4.1: 7,765 of 152,342 alleles (5.1%); highest among the groups gnomAD compares: African/African-American, 7.8%; 227 homozygotes.

Submission:

GeneDx
Classification: Benign. Last evaluated: 2018-06-19. Review status: criteria provided, single submitter. Criteria: GeneDx Variant Classification (06012015). Collection method: clinical testing. Allele origin: germline. Affected: yes.
Comment: This variant is considered likely benign or benign based on one or more of the following criteria: it is a conservative change, it occurs at a poorly conserved position in the protein, it is predicted to be benign by multiple in silico algorithms, and/or has population frequency not consistent with disease.

NM_000834.5(GRIN2B):c.2172-299T>C

Gene: GRIN2B (glutamate ionotropic receptor NMDA type subunit 2B; minus strand). Cytogenetic location: 12p13.1.
Variant type: single nucleotide variant.
Coding change: c.2172-299T>C on transcript NM_000834.5 (MANE Select); 299 bases into the intron before coding-DNA position 2172, T replaced by C.
Molecular consequence: intron variant.
Genome position (GRCh38, 1-based): chr12:13,570,316, A>G on the plus strand (T>C on the coding strand, the complement: GRIN2B is on the minus strand). VCF-style: chr12-13570316-A-G. GRCh37 (hg19) VCF-style: chr12-13723250-A-G.
Identifiers: ClinVar variation 668979 (VCV000668979.1), dbSNP rs78142938, ClinGen allele CA233136953.
Genomic context (GRCh38, chr12:13,570,316, plus strand): 5'-GGGCCTGAAGCCAACTCATAAACTGTGTCTGAAAGGAAGAAGGAGTAAAAAGGGATCAAT[A>G]AAAATAATAACAGAAATAATGAAAAGTAACCACTGCAACGAGCAACAAATAGCATGGGGT-3'